The following is an entry in ClinVar:

NC_000023.10:g.(?_133627518)_(133628822_?)del

Gene: HPRT1 (hypoxanthine phosphoribosyltransferase 1; plus strand). Cytogenetic location: Xq26.3.
Variant type: Deletion.
Identifiers: ClinVar variation 2422567 (VCV002422567.6).

ClinVar aggregate classification (germline): Pathogenic (1 of 4 stars; one submission).

Conditions:
Partial hypoxanthine-guanine phosphoribosyltransferase deficiency. Also called: HYPOXANTHINE GUANINE PHOSPHORIBOSYLTRANSFERASE 1 DEFICIENCY, PARTIAL; Kelley-Seegmiller Syndrome; HPRT1 DEFICIENCY, PARTIAL; GOUT, HPRT-RELATED; HPRT DEFICIENCY, PARTIAL. Identifiers: Orphanet 79233, MedGen C0268117, MONDO:0010299, OMIM 300323.
Lesch-Nyhan syndrome (LNS). Also called: Lesch-Nyhan Disease (LND); HPRT DEFICIENCY, COMPLETE. Identifiers: Orphanet 510, MedGen C0023374, MONDO:0010298, OMIM 300322.

Submission:

Labcorp Genetics (formerly Invitae), Labcorp
Classification: Pathogenic for Lesch-Nyhan syndrome; Partial hypoxanthine-guanine phosphoribosyltransferase deficiency. Last evaluated: 2022-09-01. Review status: criteria provided, single submitter. Criteria: Invitae Variant Classification Sherloc (09022015). Collection method: clinical testing. Allele origin: germline.
Comment: For these reasons, this variant has been classified as Pathogenic. A similar copy number variant has been observed in individual(s) with clinical features of Lesch-Nyhan syndrome (PMID: 23597535). This variant is a gross deletion of the genomic region encompassing exon(s) 6 of the HPRT1 gene. This deletion is out-of-frame, and is expected to create a premature termination codon and result in an absent or disrupted protein product. Loss-of-function variants in HPRT1 are known to be pathogenic (PMID: 15571220, 17027311, 22157001).

Literature cited by the submitters: PubMed 23597535; PubMed 15571220; PubMed 17027311; PubMed 22157001.